The following is an entry in ClinVar:

NM_017671.5(FERMT1):c.371T>C (p.Ile124Thr)

Gene: FERMT1 (FERM domain containing kindlin 1; minus strand). Cytogenetic location: 20p12.3.
Variant type: single nucleotide variant.
Coding change: c.371T>C on transcript NM_017671.5 (MANE Select); coding-DNA position 371, T replaced by C.
Protein change: p.Ile124Thr; replaces isoleucine 124 with threonine.
Molecular consequence: missense variant.
Genome position (GRCh38, 1-based): chr20:6,115,825, A>G on the plus strand (T>C on the coding strand, the complement: FERMT1 is on the minus strand). VCF-style: chr20-6115825-A-G. GRCh37 (hg19) VCF-style: chr20-6096472-A-G.
Other names: short protein forms I124T.
Identifiers: ClinVar variation 1491031 (VCV001491031.6), dbSNP rs760691296, ClinGen allele CA9758485.

ClinVar aggregate classification (germline): Uncertain significance. Review status: criteria provided, multiple submitters, no conflicts (2 of 4 stars). 2 submissions from 2 submitters: Uncertain significance (2). Last evaluated 2021-08-28.

Allele frequency attached by ClinVar (database versions not stated): TOPMed 0.00001; ExAC 0.00002; gnomAD exomes 0.00003; gnomAD 0.00007 and 0.00008.
gnomAD v4.1: 62 of 1,613,852 alleles (0.0038%); highest among the groups gnomAD compares: Non-Finnish European, 0.0032%; no homozygotes.

Submissions (2):

Labcorp Genetics (formerly Invitae), Labcorp
Classification: Uncertain significance. Last evaluated: 2021-08-28. Review status: criteria provided, single submitter. Criteria: Invitae Variant Classification Sherloc (09022015). Collection method: clinical testing. Allele origin: germline.
Comment: This sequence change replaces isoleucine with threonine at codon 124 of the FERMT1 protein (p.Ile124Thr). The isoleucine residue is highly conserved and there is a moderate physicochemical difference between isoleucine and threonine. This variant is present in population databases (rs760691296, ExAC 0.02%). This variant has not been reported in the literature in individuals affected with FERMT1-related conditions. Algorithms developed to predict the effect of missense changes on protein structure and function (SIFT, PolyPhen-2, Align-GVGD) all suggest that this variant is likely to be disruptive. In summary, the available evidence is currently insufficient to determine the role of this variant in disease. Therefore, it has been classified as a Variant of Uncertain Significance.

Blueprint Genetics
Classification: Uncertain significance. Last evaluated: 2020-11-09. Review status: criteria provided, single submitter. Criteria: ACMG Guidelines, 2015. Collection method: clinical testing. Allele origin: germline.